The following is an entry in ClinVar:

ClinVar aggregate classification (germline): Conflicting classifications of pathogenicity. Review status: criteria provided, conflicting classifications (1 of 4 stars). 3 submissions from 3 submitters: Uncertain significance (2); Likely benign (1). Last evaluated 2023-05-31.

Conditions:
Hereditary cancer-predisposing syndrome. Also called: Tumor predisposition; Hereditary neoplastic syndrome; Neoplastic Syndromes, Hereditary; Hereditary Cancer Syndrome. Identifiers: Orphanet 140162, MedGen C0027672, MeSH D009386, MONDO:0015356.
Hereditary breast ovarian cancer syndrome. Also called: Hereditary breast and ovarian cancer syndrome (HBOC); Breast and ovarian cancer; BRCA1- and BRCA2-Associated Hereditary Breast and Ovarian Cancer; Hereditary breast and/or ovarian cancer syndrome; Hereditary breast and ovarian cancer syndrome; Hereditary breast and ovarian cancer. Identifiers: Orphanet 145, MedGen C0677776, MeSH D061325, MONDO:0003582. Disease mechanism: loss of function.

Allele frequency attached by ClinVar (database versions not stated): TOPMed below 0.00001.

Submissions (3):

Ambry Genetics
Classification: Uncertain significance for Hereditary cancer-predisposing syndrome. Last evaluated: 2023-05-31. Review status: criteria provided, single submitter. Criteria: Ambry Variant Classification Scheme 2023. Collection method: clinical testing. Allele origin: germline.
Comment: The p.L471P variant (also known as c.1412T>C), located in coding exon 9 of the BRCA1 gene, results from a T to C substitution at nucleotide position 1412. The leucine at codon 471 is replaced by proline, an amino acid with similar properties. This amino acid position is not well conserved in available vertebrate species. In addition, this alteration is predicted to be deleterious by in silico analysis. Since supporting evidence is limited at this time, the clinical significance of this alteration remains unclear.

Labcorp Genetics (formerly Invitae), Labcorp
Classification: Uncertain significance for Hereditary breast ovarian cancer syndrome. Last evaluated: 2023-04-10. Review status: criteria provided, single submitter. Criteria: Invitae Variant Classification Sherloc (09022015). Collection method: clinical testing. Allele origin: germline.
Comment: This variant has not been reported in the literature in individuals affected with BRCA1-related conditions. This sequence change replaces leucine, which is neutral and non-polar, with proline, which is neutral and non-polar, at codon 471 of the BRCA1 protein (p.Leu471Pro). This variant is not present in population databases (gnomAD no frequency). ClinVar contains an entry for this variant (Variation ID: 819162). Advanced modeling of protein sequence and biophysical properties (such as structural, functional, and spatial information, amino acid conservation, physicochemical variation, residue mobility, and thermodynamic stability) performed at Invitae indicates that this missense variant is not expected to disrupt BRCA1 protein function. In summary, the available evidence is currently insufficient to determine the role of this variant in disease. Therefore, it has been classified as a Variant of Uncertain Significance.

University of Washington Department of Laboratory Medicine, University of Washington
Classification: Likely benign for Hereditary cancer-predisposing syndrome. Last evaluated: 2023-03-23. Review status: criteria provided, single submitter. Criteria: Dines et al. (Genet Med. 2020). Collection method: curation. Allele origin: germline.
Comment: Missense variant in a coldspot region where missense variants are very unlikely to be pathogenic (PMID:31911673).

BRCA1 coldspot (exon 11 using historical exon numbering). Reclassification based on statistical prior probability

NM_007294.4(BRCA1):c.1412T>C (p.Leu471Pro)

Gene: BRCA1 (BRCA1 DNA repair associated; minus strand). Cytogenetic location: 17q21.31.
Variant type: single nucleotide variant.
Coding change: c.1412T>C on transcript NM_007294.4 (MANE Select); coding-DNA position 1412, T replaced by C.
Protein change: p.Leu471Pro; replaces leucine 471 with proline.
Molecular consequence: missense variant. On other transcripts: intron variant (137).
Genome position (GRCh38, 1-based): chr17:43,094,119, A>G on the plus strand (T>C on the coding strand, the complement: BRCA1 is on the minus strand). VCF-style: chr17-43094119-A-G. GRCh37 (hg19) VCF-style: chr17-41246136-A-G.
Other names: c.1289T>C, p.Leu430Pro (NM_001407664.1, NM_001407665.1, NM_001407666.1 and 19 more transcripts); c.784+625T>C (NM_001407972.1, NM_001408397.1, NM_001408401.1 and 13 more transcripts); c.664+625T>C (NM_001408441.1, NM_001408437.1, NM_001408442.1 and 12 more transcripts); c.787+625T>C (NM_001407982.1, NM_001407970.1, NM_001407977.1 and 19 more transcripts); c.646+625T>C (NM_001408410.1, NM_001408458.1, NM_001408469.1 and 11 more transcripts); c.577+625T>C (NM_001408483.1, NM_001408481.1, NM_001408480.1 and 9 more transcripts); c.709+625T>C (NM_001408415.1, NM_001408412.1, NM_001408409.1 and 2 more transcripts); c.1286T>C, p.Leu429Pro (NM_001407670.1, NM_001407671.1, NM_001407649.1 and 11 more transcripts); and 40 more; short protein forms L471P, L424P, L303P, L344P, L360P, L404P, L468P, L470P.
Identifiers: ClinVar variation 819162 (VCV000819162.11), dbSNP rs1167718207, ClinGen allele CA10599222.